The following is an entry in ClinVar:

ClinVar aggregate classification (germline): Uncertain significance (1 of 4 stars; one submission).

Allele frequency attached by ClinVar (database versions not stated): ExAC 0.00001; gnomAD exomes 0.00001 and 0.00002; TOPMed 0.00002; gnomAD 0.00007; ESP Exome Variant Server 0.00008.
gnomAD v4.1: 44 of 1,583,858 alleles (0.0028%); highest among the groups gnomAD compares: Non-Finnish European, 0.0034%; no homozygotes.

Submission:

Labcorp Genetics (formerly Invitae), Labcorp
Classification: Uncertain significance. Last evaluated: 2021-08-28. Review status: criteria provided, single submitter. Criteria: Invitae Variant Classification Sherloc (09022015). Collection method: clinical testing. Allele origin: germline.
Comment: This sequence change replaces alanine with threonine at codon 249 of the SKIV2L protein (p.Ala249Thr). The alanine residue is weakly conserved and there is a small physicochemical difference between alanine and threonine. This variant is present in population databases (rs370200558, ExAC 0.002%). This variant has not been reported in the literature in individuals affected with SKIV2L-related conditions. Algorithms developed to predict the effect of missense changes on protein structure and function output the following: SIFT: "Tolerated"; PolyPhen-2: "Benign"; Align-GVGD: "Class C0". The threonine amino acid residue is found in multiple mammalian species, which suggests that this missense change does not adversely affect protein function. In summary, the available evidence is currently insufficient to determine the role of this variant in disease. Therefore, it has been classified as a Variant of Uncertain Significance.

NM_006929.5(SKIC2):c.745G>A (p.Ala249Thr)

Gene: SKIC2 (SKI2 subunit of superkiller complex; plus strand). Cytogenetic location: 6p21.33.
Variant type: single nucleotide variant.
Coding change: c.745G>A on transcript NM_006929.5 (MANE Select); coding-DNA position 745, G replaced by A.
Protein change: p.Ala249Thr; replaces alanine 249 with threonine.
Molecular consequence: missense variant.
Genome position (GRCh38, 1-based): chr6:31,961,342, G>A. VCF-style: chr6-31961342-G-A. GRCh37 (hg19) VCF-style: chr6-31929119-G-A.
Other names: short protein forms A249T.
Identifiers: ClinVar variation 1493275 (VCV001493275.5), dbSNP rs370200558, ClinGen allele CA3729243.
Genomic context (GRCh38, chr6:31,961,342, plus strand): 5'-GAGGCAGTGGGACAGCCAGGAGGTCCCAGAGGGGACACTGTTTCAGCCTCTCCCTGCAGT[G>A]CTCCCCTGGCCCGAGCAAGCAGCTTGGAAGACCTAGTGTTGAAGGTTGGTGGTTCTGTGT-3'
Protein context (NP_008860.4, residues 239-259): GDTVSASPCS[Ala249Thr]PLARASSLED